The following is an entry in ClinVar:

NM_000179.3(MSH6):c.615A>G (p.Glu205=)

Gene: MSH6 (mutS homolog 6; plus strand). Cytogenetic location: 2p16.3.
Variant type: single nucleotide variant.
Coding change: c.615A>G on transcript NM_000179.3 (MANE Select); coding-DNA position 615, A replaced by G.
Protein change: p.Glu205=; no amino-acid change (glutamic acid 205 retained).
Molecular consequence: synonymous variant. On other transcripts: 5 prime UTR variant (1), intron variant (2).
Genome position (GRCh38, 1-based): chr2:47,796,051, A>G. VCF-style: chr2-47796051-A-G. GRCh37 (hg19) VCF-style: chr2-48023190-A-G.
Other names: c.-288A>G (NM_001281494.2); c.-279-2560A>G (NM_001281493.2); c.238-2560A>G (NM_001281492.2).
Identifiers: ClinVar variation 455334 (VCV000455334.27), dbSNP rs1334827373, ClinGen allele CA425993230.
Genomic context (GRCh38, chr2:47,796,051, plus strand): 5'-AGACAAGATTAAGAGGCTTGAATTGGCAGTTTGTGATGAGCCCTCAGAGCCAGAAGAGGA[A>G]GAAGAGATGGAGGTGGGACACGGCAAGCATTCAGTTGTTATTTATGTTAGGGTGATGGGG-3'
Protein context (NP_000170.1, residues 195-215): VCDEPSEPEE[Glu205=]EEMEVGTTYV

ClinVar aggregate classification (germline): Benign/Likely benign. Review status: criteria provided, multiple submitters, no conflicts (2 of 4 stars). 9 submissions from 9 submitters: Benign (1); Likely benign (7). 1 of the submissions does not count toward it. Last evaluated 2026-02-03.

Conditions:
MSH6-related disorder. Also called: MSH6-related condition; MSH6-Related disorders.
Hereditary nonpolyposis colorectal neoplasms. Identifiers: MedGen C0009405, MeSH D003123.
Hereditary cancer-predisposing syndrome. Also called: Hereditary Cancer Syndrome; Hereditary neoplastic syndrome; Neoplastic Syndromes, Hereditary; Tumor predisposition. Identifiers: Orphanet 140162, MedGen C0027672, MeSH D009386, MONDO:0015356.
Lynch syndrome. Identifiers: Orphanet 144, MedGen C4552100, MONDO:0005835. Disease mechanism: loss of function.
Lynch syndrome 5 (LYNCH5). Also called: Hereditary non-polyposis colorectal cancer, type 5; Colorectal cancer, hereditary nonpolyposis, type 5. Identifiers: Orphanet 144, MedGen C1833477, MONDO:0013710, OMIM 614350. Disease mechanism: loss of function.

Allele frequency attached by ClinVar (database versions not stated): gnomAD exomes below 0.00001; gnomAD 0.00002; TOPMed 0.00003.
gnomAD v4.1: 6 of 1,614,016 alleles (0.00037%); highest among the groups gnomAD compares: African/African-American, 0.004%; no homozygotes.

Submissions (9):

Labcorp Genetics (formerly Invitae), Labcorp
Classification: Likely benign for Hereditary nonpolyposis colorectal neoplasms. Last evaluated: 2026-02-03. Review status: criteria provided, single submitter. Criteria: Invitae Variant Classification Sherloc (09022015). Collection method: clinical testing. Allele origin: germline.

Myriad Genetics, Inc.
Classification: Benign for Lynch syndrome 5. Last evaluated: 2024-12-19. Review status: criteria provided, single submitter. Criteria: Myriad Autosomal Dominant, Autosomal Recessive and X-Linked Classification Criteria (2023). Collection method: clinical testing. Allele origin: unknown.
Comment: This variant is considered benign. This variant is a silent/synonymous amino acid change and it is not expected to impact splicing.

All of Us Research Program, National Institutes of Health
Classification: Likely benign for Lynch syndrome. Last evaluated: 2023-06-15. Review status: criteria provided, single submitter. Criteria: ACMG Guidelines, 2015. Collection method: clinical testing. Allele origin: germline. Inheritance: Autosomal dominant inheritance. Observed: 1 variant allele, 1 heterozygote.
Comment: This study involves interpretation of variants in research participants for the purpose of population health screening. Participant phenotype was not available at the time of variant classification. Additional details can be found in publication PMID: 35346344, PMCID: PMC8962531

GeneDx
Classification: Likely benign. Last evaluated: 2021-04-26. Review status: criteria provided, single submitter. Criteria: GeneDx Variant Classification Process June 2021. Collection method: clinical testing. Allele origin: germline. Affected: yes.

Color Diagnostics, LLC DBA Color Health
Classification: Likely benign for Hereditary cancer-predisposing syndrome. Last evaluated: 2020-05-11. Review status: criteria provided, single submitter. Criteria: ACMG Guidelines, 2015. Collection method: clinical testing. Allele origin: germline.

Women's Health and Genetics/Laboratory Corporation of America, LabCorp
Classification: Likely benign. Last evaluated: 2019-08-29. Review status: criteria provided, single submitter. Criteria: LabCorp Variant Classification Summary - May 2015. Collection method: clinical testing. Allele origin: germline.

Quest Diagnostics Nichols Institute San Juan Capistrano
Classification: Likely benign. Last evaluated: 2019-04-09. Review status: criteria provided, single submitter. Criteria: Quest Diagnostics criteria. Collection method: clinical testing. Allele origin: germline.

Ambry Genetics
Classification: Likely benign for Hereditary cancer-predisposing syndrome. Last evaluated: 2018-04-17. Review status: criteria provided, single submitter. Criteria: Ambry Variant Classification Scheme 2023. Collection method: clinical testing. Allele origin: germline.

PreventionGenetics, part of Exact Sciences
Classification: Likely benign for MSH6-related condition. Last evaluated: 2022-11-23. Review status: no assertion criteria provided. Collection method: clinical testing. Allele origin: germline. Not counted in ClinVar's aggregate classification.
Comment: This variant is classified as likely benign based on ACMG/AMP sequence variant interpretation guidelines (Richards et al. 2015 PMID: 25741868, with internal and published modifications).